The following is an entry in ClinVar:

ClinVar aggregate classification (germline): Likely benign. Review status: criteria provided, multiple submitters, no conflicts (2 of 4 stars). 4 submissions from 4 submitters: Likely benign (3). 1 of the submissions does not count toward it. Last evaluated 2025-12-21.

Conditions:
CACNA1H-related disorder.
Idiopathic generalized epilepsy. Also called: Generalised epilepsy; EIG. Identifiers: MedGen C0270850, MONDO:0005579, OMIM 600669.
Hyperaldosteronism, familial, type IV (HALD4). Also called: FH IV; ALDOSTERONISM, PRIMARY, AND HYPERTENSION. Identifiers: Orphanet 642671, MedGen C4310756, MONDO:0014875, OMIM 617027.
Epilepsy, childhood absence, susceptibility to, 6. Identifiers: Orphanet 64280, MedGen C2749872, MONDO:0012763, OMIM 611942.

Allele frequency attached by ClinVar (database versions not stated): gnomAD 0.00003 and 0.00004; gnomAD exomes 0.00004; ExAC 0.00009.
gnomAD v4.1: 68 of 1,546,058 alleles (0.0044%); highest among the groups gnomAD compares: East Asian, 0.0073%; no homozygotes.

Submissions (4):

Labcorp Genetics (formerly Invitae), Labcorp
Classification: Likely benign for Idiopathic generalized epilepsy; Hyperaldosteronism, familial, type IV. Last evaluated: 2025-12-21. Review status: criteria provided, single submitter. Criteria: Invitae Variant Classification Sherloc (09022015). Collection method: clinical testing. Allele origin: germline.

Blueprint Genetics
Classification: Likely benign. Last evaluated: 2023-02-15. Review status: criteria provided, single submitter. Criteria: ACMG Guidelines, 2015. Collection method: clinical testing. Allele origin: germline.

Fulgent Genetics
Classification: Likely benign for Epilepsy, childhood absence, susceptibility to, 6; Hyperaldosteronism, familial, type IV. Last evaluated: 2021-12-23. Review status: criteria provided, single submitter. Criteria: ACMG Guidelines, 2015. Collection method: clinical testing. Allele origin: unknown.

PreventionGenetics, part of Exact Sciences
Classification: Likely benign for CACNA1H-related condition. Last evaluated: 2019-06-23. Review status: no assertion criteria provided. Collection method: clinical testing. Allele origin: germline. Not counted in ClinVar's aggregate classification.
Comment: This variant is classified as likely benign based on ACMG/AMP sequence variant interpretation guidelines (Richards et al. 2015 PMID: 25741868, with internal and published modifications).

NM_021098.3(CACNA1H):c.1665G>A (p.Ala555=)

Gene: CACNA1H (calcium voltage-gated channel subunit alpha1 H; plus strand). Cytogenetic location: 16p13.3.
Variant type: single nucleotide variant.
Coding change: c.1665G>A on transcript NM_021098.3 (MANE Select); coding-DNA position 1665, G replaced by A.
Protein change: p.Ala555=; no amino-acid change (alanine 555 retained).
Molecular consequence: synonymous variant.
Genome position (GRCh38, 1-based): chr16:1,202,115, G>A. VCF-style: chr16-1202115-G-A. GRCh37 (hg19) VCF-style: chr16-1252115-G-A.
Other names: c.1665G>A, p.Ala555= (NM_001005407.2); c.1665G>A (NM_021098.2).
Identifiers: ClinVar variation 1113778 (VCV001113778.13), dbSNP rs753841406, ClinGen allele CA7799973.